The following is an entry in ClinVar:

ClinVar aggregate classification (germline): Conflicting classifications of pathogenicity. Review status: criteria provided, conflicting classifications (1 of 4 stars). 8 submissions from 8 submitters: Uncertain significance (2); Likely benign (5). 1 of the submissions does not count toward it. Last evaluated 2026-06-05.

Conditions:
Achondrogenesis, type IA (ACG1A). Identifiers: Orphanet 932, Orphanet 93299, MedGen C0265273, MONDO:0008701, OMIM 200600.
Connective tissue disorder. Also called: Connective tissue disease. Identifiers: MedGen C0009782, MONDO:0003900.
TRIP11-related disorder. Also called: TRIP11-related condition; TRIP11-Related Disorders.

Allele frequency attached by ClinVar (database versions not stated): gnomAD 0.00050 and 0.00065; 1000 Genomes Project 0.00060; 1000 Genomes Project 30x 0.00062; ESP Exome Variant Server 0.00062; TOPMed 0.00075; gnomAD exomes 0.00079 and 0.00112; ExAC 0.00111.
gnomAD v4.1: 1,293 of 1,612,602 alleles (0.08%); highest among the groups gnomAD compares: Middle Eastern, 1.4%; 8 homozygotes.

Submissions (8):

Women's Health and Genetics/Laboratory Corporation of America, LabCorp
Classification: Likely benign. Last evaluated: 2026-06-05. Review status: criteria provided, single submitter. Criteria: LabCorp Variant Classification Summary - May 2015. Collection method: clinical testing. Allele origin: germline.
Comment: Variant summary: TRIP11 c.5537C>T (p.Thr1846Ile) results in a non-conservative amino acid change in the encoded protein sequence. Algorithms developed to predict the effect of missense changes on protein structure and function are either unavailable or do not agree on the potential impact of this missense change. The variant allele was found at a frequency of 0.0011 in 251402 control chromosomes, predominantly at a frequency of 0.0048 within the Ashkenazi Jewish subpopulation in the gnomAD database. The observed variant frequency within Ashkenazi Jewish control individuals in the gnomAD database exceeds the estimated maximal expected allele frequency for disease-causing variants in TRIP11. To our knowledge, no occurrence of c.5537C>T in individuals affected with TRIP11-related conditions and no experimental evidence demonstrating its impact on protein function have been reported. ClinVar contains an entry for this variant (Variation ID: 288207). Based on the evidence outlined above, the variant was classified as likely benign.

Labcorp Genetics (formerly Invitae), Labcorp
Classification: Likely benign for Achondrogenesis, type IA. Last evaluated: 2026-01-21. Review status: criteria provided, single submitter. Criteria: Invitae Variant Classification Sherloc (09022015). Collection method: clinical testing. Allele origin: germline.

Blueprint Genetics
Classification: Likely benign. Last evaluated: 2024-11-18. Review status: criteria provided, single submitter. Criteria: ACMG Guidelines, 2015. Collection method: clinical testing. Allele origin: germline.

GeneDx
Classification: Likely benign. Last evaluated: 2020-04-01. Review status: criteria provided, single submitter. Criteria: GeneDx Variant Classification Process June 2021. Collection method: clinical testing. Allele origin: germline. Affected: yes.
Comment: This variant is associated with the following publications: (PMID: 18987736)

Genome Diagnostics Laboratory, The Hospital for Sick Children
Classification: Uncertain significance for Connective tissue disorder. Last evaluated: 2019-03-20. Review status: criteria provided, single submitter. Criteria: ACMG Guidelines, 2015. Collection method: clinical testing. Allele origin: germline.

Illumina Laboratory Services, Illumina
Classification: Likely benign for Achondrogenesis, type IA. Last evaluated: 2017-06-01. Review status: criteria provided, single submitter. Criteria: ICSL Variant Classification Criteria 13 December 2019. Collection method: clinical testing. Allele origin: germline.
Comment: This variant was observed as part of a predisposition screen in an ostensibly healthy population. A literature search was performed for the gene, cDNA change, and amino acid change (where applicable). No publications were found based on this search. Allele frequency data from public databases allowed determination this variant is unlikely to cause disease. Therefore, this variant is classified as likely benign.

Eurofins Ntd Llc (ga)
Classification: Uncertain significance. Last evaluated: 2016-06-28. Review status: criteria provided, single submitter. Criteria: EGL Classification Definitions 2015. Collection method: clinical testing. Allele origin: germline. Observed: 1 variant allele, 1 heterozygote.

PreventionGenetics, part of Exact Sciences
Classification: Likely benign for TRIP11-related condition. Last evaluated: 2022-05-25. Review status: no assertion criteria provided. Collection method: clinical testing. Allele origin: germline. Not counted in ClinVar's aggregate classification.
Comment: This variant is classified as likely benign based on ACMG/AMP sequence variant interpretation guidelines (Richards et al. 2015 PMID: 25741868, with internal and published modifications).

NM_004239.4(TRIP11):c.5537C>T (p.Thr1846Ile)

Gene: TRIP11 (thyroid hormone receptor interactor 11; minus strand). Cytogenetic location: 14q32.12.
Variant type: single nucleotide variant.
Coding change: c.5537C>T on transcript NM_004239.4 (MANE Select); coding-DNA position 5537, C replaced by T.
Protein change: p.Thr1846Ile; replaces threonine 1846 with isoleucine.
Molecular consequence: missense variant.
Genome position (GRCh38, 1-based): chr14:91,974,664, G>A on the plus strand (C>T on the coding strand, the complement: TRIP11 is on the minus strand). VCF-style: chr14-91974664-G-A. GRCh37 (hg19) VCF-style: chr14-92441008-G-A.
Other names: c.5534C>T, p.Thr1845Ile (NM_001321851.1); short protein forms T1846I, T1845I.
Identifiers: ClinVar variation 288207 (VCV000288207.28), dbSNP rs141259390, ClinGen allele CA7313124.